The following is an entry in ClinVar:

NM_133497.4(KCNV2):c.1535G>A (p.Arg512His)

Gene: KCNV2 (potassium voltage-gated channel modifier subfamily V member 2; plus strand). Cytogenetic location: 9p24.2.
Variant type: single nucleotide variant.
Coding change: c.1535G>A on transcript NM_133497.4 (MANE Select); coding-DNA position 1535, G replaced by A.
Protein change: p.Arg512His; replaces arginine 512 with histidine.
Molecular consequence: missense variant.
Genome position (GRCh38, 1-based): chr9:2,729,624, G>A. VCF-style: chr9-2729624-G-A. GRCh37 (hg19) VCF-style: chr9-2729624-G-A.
Other names: short protein forms R512H.
Identifiers: ClinVar variation 1500374 (VCV001500374.5), dbSNP rs371862412, ClinGen allele CA4965938.

ClinVar aggregate classification (germline): Uncertain significance (1 of 4 stars; one submission).

Allele frequency attached by ClinVar (database versions not stated): ExAC 0.00001; ESP Exome Variant Server 0.00008.

Submission:

Labcorp Genetics (formerly Invitae), Labcorp
Classification: Uncertain significance. Last evaluated: 2024-03-19. Review status: criteria provided, single submitter. Criteria: Invitae Variant Classification Sherloc (09022015). Collection method: clinical testing. Allele origin: germline.
Comment: This sequence change replaces arginine, which is basic and polar, with histidine, which is basic and polar, at codon 512 of the KCNV2 protein (p.Arg512His). This variant is present in population databases (rs371862412, gnomAD 0.02%). This variant has not been reported in the literature in individuals affected with KCNV2-related conditions. ClinVar contains an entry for this variant (Variation ID: 1500374). Advanced modeling of protein sequence and biophysical properties (such as structural, functional, and spatial information, amino acid conservation, physicochemical variation, residue mobility, and thermodynamic stability) performed at Invitae indicates that this missense variant is not expected to disrupt KCNV2 protein function with a negative predictive value of 80%. In summary, the available evidence is currently insufficient to determine the role of this variant in disease. Therefore, it has been classified as a Variant of Uncertain Significance.